The following is an entry in ClinVar:

ClinVar aggregate classification (germline): Pathogenic (1 of 4 stars; one submission).

Conditions:
Granulomatous disease, chronic, autosomal recessive, cytochrome b-positive, type 3. Also called: GRANULOMATOUS DISEASE, CHRONIC, AUTOSOMAL RECESSIVE, 3; CGD, AUTOSOMAL RECESSIVE CYTOCHROME b-POSITIVE, TYPE III; GRANULOMATOUS DISEASE, CHRONIC, DUE TO NCF4 DEFICIENCY; Granulomatous disease, chronic, autosomal recessive, cytochrome b-positive, type III. Identifiers: Orphanet 379, MedGen C3151409, MONDO:0013507, OMIM 613960.

Allele frequency attached by ClinVar (database versions not stated): gnomAD exomes below 0.00001; ExAC 0.00002.
gnomAD v4.1: 2 of 1,614,104 alleles (0.00012%); highest among the groups gnomAD compares: East Asian, 0.0045%; no homozygotes.

Submission:

Labcorp Genetics (formerly Invitae), Labcorp
Classification: Pathogenic for Granulomatous disease, chronic, autosomal recessive, cytochrome b-positive, type 3. Last evaluated: 2022-10-25. Review status: criteria provided, single submitter. Criteria: Invitae Variant Classification Sherloc (09022015). Collection method: clinical testing. Allele origin: germline.
Comment: This sequence change creates a premature translational stop signal (p.Gln329*) in the NCF4 gene. It is expected to result in an absent or disrupted protein product. Loss-of-function variants in NCF4 are known to be pathogenic (PMID: 16880254, 19692703, 20167518). This variant is present in population databases (rs758210984, gnomAD 0.02%). This variant has not been reported in the literature in individuals affected with NCF4-related conditions. For these reasons, this variant has been classified as Pathogenic.

Literature cited by the submitters: PubMed 16880254; PubMed 19692703; PubMed 20167518.

NM_000631.5(NCF4):c.759-19C>T

Gene: NCF4 (neutrophil cytosolic factor 4; plus strand). Cytogenetic location: 22q12.3.
Variant type: single nucleotide variant.
Coding change: c.759-19C>T on transcript NM_000631.5 (MANE Select); 19 bases into the intron before coding-DNA position 759, C replaced by T.
Molecular consequence: intron variant. On other transcripts: nonsense (1).
Genome position (GRCh38, 1-based): chr22:36,876,010, C>T. VCF-style: chr22-36876010-C-T. GRCh37 (hg19) VCF-style: chr22-37272052-C-T.
Other names: c.985C>T, p.Gln329Ter (NM_013416.4); short protein forms Q329*.
Identifiers: ClinVar variation 1991035 (VCV001991035.4), dbSNP rs758210984, ClinGen allele CA10213199.